The following is an entry in ClinVar:

NM_014855.3(AP5Z1):c.62T>G (p.Leu21Arg)

Gene: AP5Z1 (adaptor related protein complex 5 subunit zeta 1; plus strand). Cytogenetic location: 7p22.1.
Variant type: single nucleotide variant.
Coding change: c.62T>G on transcript NM_014855.3 (MANE Select); coding-DNA position 62, T replaced by G.
Protein change: p.Leu21Arg; replaces leucine 21 with arginine.
Molecular consequence: missense variant. On other transcripts: 5 prime UTR variant (1), non-coding transcript variant (1).
Genome position (GRCh38, 1-based): chr7:4,781,195, T>G. VCF-style: chr7-4781195-T-G. GRCh37 (hg19) VCF-style: chr7-4820826-T-G.
Other names: c.-220T>G (NM_001364858.1); short protein forms L21R.
Identifiers: ClinVar variation 2041196 (VCV002041196.4), dbSNP rs745330699, ClinGen allele CA4137031.
Genomic context (GRCh38, chr7:4,781,195, plus strand): 5'-GCGAGTGCTTCTGGGTCCTGAAGTCCTCTTCTTTGTTTAGGGAGATCCAGGACGAGGAGC[T>G]GAAGAAGTTCTGTTCCCGGATCTGTAAACTGCTGCAGGCGGAGGACTTGGGGCCGGACAC-3'
Protein context (NP_055670.1, residues 11-31): HQAREIQDEE[Leu21Arg]KKFCSRICKL

ClinVar aggregate classification (germline): Uncertain significance (1 of 4 stars; one submission).

Conditions:
Hereditary spastic paraplegia 48. Also called: SPASTIC PARAPLEGIA 48, AUTOSOMAL RECESSIVE; Spastic paraplegia 48. Identifiers: Orphanet 306511, MedGen C3150901, MONDO:0013342, OMIM 613647.

Allele frequency attached by ClinVar (database versions not stated): ExAC 0.00002.

Submission:

Labcorp Genetics (formerly Invitae), Labcorp
Classification: Uncertain significance for Hereditary spastic paraplegia 48. Last evaluated: 2025-04-07. Review status: criteria provided, single submitter. Criteria: Invitae Variant Classification Sherloc (09022015). Collection method: clinical testing. Allele origin: germline.
Comment: This sequence change replaces leucine, which is neutral and non-polar, with arginine, which is basic and polar, at codon 21 of the AP5Z1 protein (p.Leu21Arg). This variant is present in population databases (rs745330699, gnomAD 0.02%). This variant has not been reported in the literature in individuals affected with AP5Z1-related conditions. ClinVar contains an entry for this variant (Variation ID: 2041196). Invitae Evidence Modeling of protein sequence and biophysical properties (such as structural, functional, and spatial information, amino acid conservation, physicochemical variation, residue mobility, and thermodynamic stability) indicates that this missense variant is expected to disrupt AP5Z1 protein function with a positive predictive value of 80%. In summary, the available evidence is currently insufficient to determine the role of this variant in disease. Therefore, it has been classified as a Variant of Uncertain Significance.